The following is an entry in ClinVar:

NM_000263.4(NAGLU):c.59dup (p.Ala21fs)

Genes: NAGLU (N-acetyl-alpha-glucosaminidase; plus strand), LOC130060903 (ATAC-STARR-seq lymphoblastoid silent region 8533; plus strand). Cytogenetic location: 17q21.2.
Variant type: Duplication.
Coding change: c.59dup on transcript NM_000263.4 (MANE Select); coding-DNA position 59, one base duplicated (G; older notation c.59dupG).
Protein change: p.Ala21fs; shifts the reading frame from alanine 21.
Molecular consequence: frameshift variant.
Genome position (GRCh38, 1-based): chr17:42,536,331, G duplicated; the last of 5 consecutive G bases (chr17:42,536,327-42,536,331); duplicating any one gives the same sequence. VCF-style (leftmost placement, unchanged base first): chr17-42536326-C-CG. GRCh37 (hg19) VCF-style: chr17-40688344-C-CG.
Other names: short protein forms A21fs.
Identifiers: ClinVar variation 1382617 (VCV001382617.6), dbSNP rs1253870232, ClinGen allele CA2573154143.

ClinVar aggregate classification (germline): Pathogenic (1 of 4 stars; one submission).

Conditions:
Charcot-Marie-Tooth disease axonal type 2V. Also called: CHARCOT-MARIE-TOOTH NEUROPATHY, TYPE 2V; CHARCOT-MARIE-TOOTH DISEASE, AXONAL, AUTOSOMAL DOMINANT, TYPE 2V. Identifiers: Orphanet 447964, MedGen C5569050, MONDO:0014665, OMIM 616491.
Mucopolysaccharidosis, MPS-III-B (MPS3B). Also called: MPS IIIB (Sanfilippo Syndrome Type B); N-ACETYL-ALPHA-D-GLUCOSAMINIDASE DEFICIENCY; NAGLU DEFICIENCY; MUCOPOLYSACCHARIDOSIS, TYPE IIIB; Mucopolysaccharidosis type IIIB (Sanfilippo B); SANFILIPPO SYNDROME B. Identifiers: Orphanet 79270, MedGen C0086648, MONDO:0009656, OMIM 252920.

Submission:

Labcorp Genetics (formerly Invitae), Labcorp
Classification: Pathogenic for Charcot-Marie-Tooth disease axonal type 2V; Mucopolysaccharidosis, MPS-III-B. Last evaluated: 2021-09-15. Review status: criteria provided, single submitter. Criteria: Invitae Variant Classification Sherloc (09022015). Collection method: clinical testing. Allele origin: germline.
Comment: For these reasons, this variant has been classified as Pathogenic. This variant has not been reported in the literature in individuals with NAGLU-related conditions. The frequency data for this variant in the population databases is considered unreliable, as metrics indicate insufficient coverage at this position in the ExAC database. This sequence change creates a premature translational stop signal (p.Ala21Argfs*171) in the NAGLU gene. It is expected to result in an absent or disrupted protein product. Loss-of-function variants in NAGLU are known to be pathogenic (PMID: 9832037, 10094189, 16151907).

Literature cited by the submitters: PubMed 9832037; PubMed 10094189; PubMed 16151907.